The following is an entry in ClinVar:

ClinVar aggregate classification (germline): Pathogenic (1 of 4 stars; one submission).

Submission:

Labcorp Genetics (formerly Invitae), Labcorp
Classification: Pathogenic. Last evaluated: 2022-03-13. Review status: criteria provided, single submitter. Criteria: Invitae Variant Classification Sherloc (09022015). Collection method: clinical testing. Allele origin: germline.
Comment: This variant is not present in population databases (gnomAD no frequency). For these reasons, this variant has been classified as Pathogenic. Algorithms developed to predict the effect of sequence changes on RNA splicing suggest that this variant may disrupt the consensus splice site. This variant has not been reported in the literature in individuals affected with CDHR1-related conditions. This sequence change creates a premature translational stop signal (p.Tyr544*) in the CDHR1 gene. It is expected to result in an absent or disrupted protein product. Loss-of-function variants in CDHR1 are known to be pathogenic (PMID: 23044944, 23591405, 26103963, 26261414).

Literature cited by the submitters: PubMed 23044944; PubMed 23591405; PubMed 26103963; PubMed 26261414.

NM_033100.4(CDHR1):c.1632C>A (p.Tyr544Ter)

Gene: CDHR1 (cadherin related family member 1; plus strand). Cytogenetic location: 10q23.1.
Variant type: single nucleotide variant.
Coding change: c.1632C>A on transcript NM_033100.4 (MANE Select); coding-DNA position 1632, C replaced by A.
Protein change: p.Tyr544Ter; replaces tyrosine 544 with a stop codon.
Molecular consequence: nonsense.
Genome position (GRCh38, 1-based): chr10:84,212,257, C>A. VCF-style: chr10-84212257-C-A. GRCh37 (hg19) VCF-style: chr10-85972013-C-A.
Other names: c.1632C>A, p.Tyr544Ter (NM_001171971.3); short protein forms Y544*.
Identifiers: ClinVar variation 2070853 (VCV002070853.4), dbSNP rs1480934668, ClinGen allele CA377377908.
Genomic context (GRCh38, chr10:84,212,257, plus strand): 5'-CACTGGGCTTATCTACACCCAGCCCTGGGCTAGCCTGGACGCTGAGGCCACTGCCAGGTA[C>A]AACTTCTATGTGAAGGCAGAGGACATGGAAGGCAAGTACAGCGTAGCTGAGGTGTTTATC-3'